The following is an entry in ClinVar:

NM_052989.3(IFT122):c.199C>T (p.Arg67Cys)

Gene: IFT122 (intraflagellar transport 122; plus strand). Cytogenetic location: 3q21.3.
Variant type: single nucleotide variant.
Coding change: c.199C>T on transcript NM_052989.3 (MANE Select); coding-DNA position 199, C replaced by T.
Protein change: p.Arg67Cys; replaces arginine 67 with cysteine.
Molecular consequence: missense variant. On other transcripts: 5 prime UTR variant (1), intron variant (4).
Genome position (GRCh38, 1-based): chr3:129,458,604, C>T. VCF-style: chr3-129458604-C-T. GRCh37 (hg19) VCF-style: chr3-129177447-C-T.
Other names: c.199C>T, p.Arg67Cys (NM_001280541.2, NM_001410808.1, NM_001410809.1 and 5 more transcripts); c.-252C>T (NM_001280545.2); c.-178-2624C>T (NM_001280546.2); c.194-4956C>T (NM_052990.3, NM_001410815.1, NM_001410817.1); short protein forms R67C.
Identifiers: ClinVar variation 3005888 (VCV003005888.2), dbSNP rs181971625, ClinGen allele CA2605743.

ClinVar aggregate classification (germline): Uncertain significance (1 of 4 stars; one submission).

Conditions:
Cranioectodermal dysplasia 1 (CED1). Also called: LEVIN SYNDROME I. Identifiers: Orphanet 1515, MedGen C0432235, MONDO:0021093, OMIM 218330.

Allele frequency attached by ClinVar (database versions not stated): ESP Exome Variant Server 0.00008; 1000 Genomes Project 30x 0.00031.
gnomAD v4.1: 25 of 1,613,512 alleles (0.0015%); highest among the groups gnomAD compares: African/African-American, 0.015%; no homozygotes.

Submission:

Labcorp Genetics (formerly Invitae), Labcorp
Classification: Uncertain significance for Cranioectodermal dysplasia 1. Last evaluated: 2025-10-17. Review status: criteria provided, single submitter. Criteria: Invitae Variant Classification Sherloc (09022015). Collection method: clinical testing. Allele origin: germline.
Comment: This sequence change replaces arginine, which is basic and polar, with cysteine, which is neutral and slightly polar, at codon 67 of the IFT122 protein (p.Arg67Cys). The frequency data for this variant in the population databases is considered unreliable, as metrics indicate poor data quality at this position in the gnomAD database. This variant has not been reported in the literature in individuals affected with IFT122-related conditions. ClinVar contains an entry for this variant (Variation ID: 3005888). Invitae Evidence Modeling of protein sequence and biophysical properties (such as structural, functional, and spatial information, amino acid conservation, physicochemical variation, residue mobility, and thermodynamic stability) indicates that this missense variant is expected to disrupt IFT122 protein function with a positive predictive value of 80%. In summary, the available evidence is currently insufficient to determine the role of this variant in disease. Therefore, it has been classified as a Variant of Uncertain Significance.